The following is an entry in ClinVar:

ClinVar aggregate classification (germline): Uncertain significance (1 of 4 stars; one submission).

Submission:

Labcorp Genetics (formerly Invitae), Labcorp
Classification: Uncertain significance. Last evaluated: 2024-11-10. Review status: criteria provided, single submitter. Criteria: Invitae Variant Classification Sherloc (09022015). Collection method: clinical testing. Allele origin: germline.
Comment: This sequence change replaces phenylalanine, which is neutral and non-polar, with cysteine, which is neutral and slightly polar, at codon 475 of the FSCN2 protein (p.Phe475Cys). This variant is not present in population databases (gnomAD no frequency). This variant has not been reported in the literature in individuals affected with FSCN2-related conditions. An algorithm developed to predict the effect of missense changes on protein structure and function (PolyPhen-2) suggests that this variant is likely to be disruptive. In summary, the available evidence is currently insufficient to determine the role of this variant in disease. Therefore, it has been classified as a Variant of Uncertain Significance.

NM_012418.4(FSCN2):c.1352T>G (p.Phe451Cys)

Gene: FSCN2 (fascin actin-bundling protein 2, retinal; plus strand). Cytogenetic location: 17q25.3.
Variant type: single nucleotide variant.
Coding change: c.1352T>G on transcript NM_012418.4 (MANE Select); coding-DNA position 1352, T replaced by G.
Protein change: p.Phe451Cys; replaces phenylalanine 451 with cysteine.
Molecular consequence: missense variant.
Genome position (GRCh38, 1-based): chr17:81,536,953, T>G. VCF-style: chr17-81536953-T-G. GRCh37 (hg19) VCF-style: chr17-79503979-T-G.
Other names: c.1424T>G, p.Phe475Cys (NM_001077182.3); short protein forms F475C, F451C.
Identifiers: ClinVar variation 3724912 (VCV003724912.2).